The following is an entry in ClinVar:

ClinVar aggregate classification (germline): Likely benign (1 of 4 stars; one submission).

Conditions:
Long QT syndrome (LQTS). Identifiers: MedGen C0023976, MeSH D008133, MONDO:0002442. Disease mechanism: loss of function. Inheritance: Various modes of inheritance.

Allele frequency attached by ClinVar (database versions not stated): gnomAD exomes below 0.00001.
gnomAD v4.1: 3 of 1,614,150 alleles (0.00019%); highest among the groups gnomAD compares: Non-Finnish European, 0.00017%; no homozygotes.

Submission:

All of Us Research Program, National Institutes of Health
Classification: Likely benign for Long QT syndrome. Last evaluated: 2023-09-17. Review status: criteria provided, single submitter. Criteria: ACMG Guidelines, 2015. Collection method: clinical testing. Allele origin: germline. Inheritance: Autosomal dominant inheritance. Observed: 2 variant alleles, 2 heterozygotes.
Comment: This study involves interpretation of variants in research participants for the purpose of population health screening. Participant phenotype was not available at the time of variant classification. Additional details can be found in publication PMID: 35346344, PMCID: PMC8962531

NM_000238.4(KCNH2):c.1212C>T (p.Ser404=)

Gene: KCNH2 (potassium voltage-gated channel subfamily H member 2; minus strand). Cytogenetic location: 7q36.1.
Variant type: single nucleotide variant.
Coding change: c.1212C>T on transcript NM_000238.4 (MANE Select); coding-DNA position 1212, C replaced by T.
Protein change: p.Ser404=; no amino-acid change (serine 404 retained).
Molecular consequence: synonymous variant. On other transcripts: non-coding transcript variant (2).
Genome position (GRCh38, 1-based): chr7:150,952,770, G>A on the plus strand (C>T on the coding strand, the complement: KCNH2 is on the minus strand). VCF-style: chr7-150952770-G-A. GRCh37 (hg19) VCF-style: chr7-150649858-G-A.
Other names: c.192C>T, p.Ser64= (NM_001204798.2, NM_172057.3); c.924C>T, p.Ser308= (NM_001406753.1, NM_001406756.1); c.1035C>T, p.Ser345= (NM_001406755.1); c.912C>T, p.Ser304= (NM_001406757.1); c.1212C>T, p.Ser404= (NM_172056.3).
Identifiers: ClinVar variation 3073188 (VCV003073188.1), dbSNP rs1563161178, ClinGen allele CA458645734.